The following is an entry in ClinVar:

ClinVar aggregate classification (germline): Uncertain significance (1 of 4 stars; one submission).

Conditions:
Left ventricular noncompaction 8 (LVNC8). Identifiers: Orphanet 154, Orphanet 54260, MedGen C3809288, MONDO:0014152, OMIM 615373.

Submission:

Labcorp Genetics (formerly Invitae), Labcorp
Classification: Uncertain significance for Left ventricular noncompaction 8. Last evaluated: 2019-07-19. Review status: criteria provided, single submitter. Criteria: Invitae Variant Classification Sherloc (09022015). Collection method: clinical testing. Allele origin: germline.
Comment: In summary, the available evidence is currently insufficient to determine the role of this variant in disease. Therefore, it has been classified as a Variant of Uncertain Significance. The current clinical and genetic evidence is not sufficient to establish whether loss-of-function variants in PRDM16 cause disease. Algorithms developed to predict the effect of sequence changes on RNA splicing suggest that this variant may disrupt the consensus splice site, but this prediction has not been confirmed by published transcriptional studies. This variant has not been reported in the literature in individuals with PRDM16-related conditions. This variant is not present in population databases (ExAC no frequency). This sequence change affects an acceptor splice site in intron 9 of the PRDM16 gene. It is expected to disrupt RNA splicing and likely results in an absent or disrupted protein product.

NM_022114.4(PRDM16):c.2604-1G>T

Gene: PRDM16 (PR/SET domain 16; plus strand). Cytogenetic location: 1p36.32.
Variant type: single nucleotide variant.
Coding change: c.2604-1G>T on transcript NM_022114.4 (MANE Select); the canonical splice acceptor site of the intron before coding-DNA position 2604, G replaced by T.
Molecular consequence: splice acceptor variant.
Genome position (GRCh38, 1-based): chr1:3,414,559, G>T. VCF-style: chr1-3414559-G-T. GRCh37 (hg19) VCF-style: chr1-3331123-G-T.
Other names: c.2604-1G>T (NM_199454.3).
Identifiers: ClinVar variation 952005 (VCV000952005.8), dbSNP rs1468393697, ClinGen allele CA338001113.